The following is an entry in ClinVar:

NM_001184.4(ATR):c.117A>G (p.Gln39=)

Gene: ATR (ATR checkpoint kinase; minus strand). Cytogenetic location: 3q23.
Variant type: single nucleotide variant.
Coding change: c.117A>G on transcript NM_001184.4 (MANE Select); coding-DNA position 117, A replaced by G.
Protein change: p.Gln39=; no amino-acid change (glutamine 39 retained).
Molecular consequence: synonymous variant.
Genome position (GRCh38, 1-based): chr3:142,568,097, T>C on the plus strand (A>G on the coding strand, the complement: ATR is on the minus strand). VCF-style: chr3-142568097-T-C. GRCh37 (hg19) VCF-style: chr3-142286939-T-C.
Other names: c.117A>G, p.Gln39= (NM_001354579.2).
Identifiers: ClinVar variation 696046 (VCV000696046.22), dbSNP rs56297030, ClinGen allele CA2650844.

ClinVar aggregate classification (germline): Benign/Likely benign. Review status: criteria provided, multiple submitters, no conflicts (2 of 4 stars). 7 submissions from 6 submitters: Benign (1); Likely benign (6). Last evaluated 2026-06-01.

Conditions:
Seckel syndrome 1 (SCKL1). Also called: MICROCEPHALIC PRIMORDIAL DWARFISM I. Identifiers: Orphanet 808, MedGen C4551474, MONDO:0008869, OMIM 210600.
Inborn genetic diseases. Identifiers: MedGen C0950123, MeSH D030342.
Familial cutaneous telangiectasia and oropharyngeal predisposition cancer syndrome. Identifiers: Orphanet 313846, MedGen C3281203, MONDO:0013806, OMIM 614564.

Allele frequency attached by ClinVar (database versions not stated): gnomAD 0.00023 and 0.00040; gnomAD exomes 0.00026 and 0.00063; TOPMed 0.00029; ExAC 0.00053; 1000 Genomes Project 30x 0.00250; 1000 Genomes Project 0.00300.
gnomAD v4.1: 467 of 1,612,514 alleles (0.029%); highest among the groups gnomAD compares: East Asian, 0.87%; 9 homozygotes.

Submissions (7):

CeGaT Center for Human Genetics Tuebingen
Classification: Likely benign. Last evaluated: 2026-06-01. Review status: criteria provided, single submitter. Criteria: CeGaT Center For Human Genetics Tuebingen Variant Classification Criteria Version 2. Collection method: clinical testing. Allele origin: germline. Affected: yes. Observed: 1 variant allele.
Comment: ATR: BP4, BP7

Labcorp Genetics (formerly Invitae), Labcorp
Classification: Benign. Last evaluated: 2026-01-15. Review status: criteria provided, single submitter. Criteria: Invitae Variant Classification Sherloc (09022015). Collection method: clinical testing. Allele origin: germline.

Genome-Nilou Lab
Classification: Likely benign for Seckel syndrome 1. Last evaluated: 2023-02-08. Review status: criteria provided, single submitter. Criteria: ACMG Guidelines, 2015. Collection method: clinical testing. Allele origin: germline.

Genome-Nilou Lab
Classification: Likely benign for Familial cutaneous telangiectasia and oropharyngeal predisposition cancer syndrome. Last evaluated: 2023-02-08. Review status: criteria provided, single submitter. Criteria: ACMG Guidelines, 2015. Collection method: clinical testing. Allele origin: germline.

Ambry Genetics
Classification: Likely benign for Inborn genetic diseases. Last evaluated: 2022-02-12. Review status: criteria provided, single submitter. Criteria: Ambry Variant Classification Scheme 2023. Collection method: clinical testing. Allele origin: germline.

Genetic Services Laboratory, University of Chicago
Classification: Likely benign. Last evaluated: 2020-10-12. Review status: criteria provided, single submitter. Criteria: ACMG Guidelines, 2015. Collection method: clinical testing. Allele origin: germline. Affected: no.

Illumina Laboratory Services, Illumina
Classification: Likely benign for Seckel syndrome 1. Last evaluated: 2018-01-13. Review status: criteria provided, single submitter. Criteria: ICSL Variant Classification Criteria 13 December 2019. Collection method: clinical testing. Allele origin: germline.
Comment: This variant was observed in the ICSL laboratory as part of a predisposition screen in an ostensibly healthy population. It had not been previously curated by ICSL or reported in the Human Gene Mutation Database (HGMD: prior to June 1st, 2018), and was therefore a candidate for classification through an automated scoring system. Utilizing variant allele frequency, disease prevalence and penetrance estimates, and inheritance mode, an automated score was calculated to assess if this variant is too frequent to cause the disease. Based on the score and internal cut-off values, a variant classified as likely benign is not then subjected to further curation. The score for this variant resulted in a classification of likely benign for this disease.